The following is an entry in ClinVar:

NM_000533.5(PLP1):c.5-1636_5-1619dup

Genes: PLP1 (proteolipid protein 1; plus strand), RAB9B (RAB9B, member RAS oncogene family; minus strand). Cytogenetic location: Xq22.2.
Variant type: Duplication.
Coding change: c.5-1636_5-1619dup on transcript NM_000533.5 (MANE Select); 1636 bases into the intron before coding-DNA position 5 through 1619 bases into the intron before coding-DNA position 5, 18 bases duplicated (TATTTATATATATACATA).
Molecular consequence: intron variant.
Genome position (GRCh38, 1-based): chrX:103,783,946-103,783,963, TATTTATATATATACATA duplicated; duplicating any 18 consecutive bases within chrX:103,783,934-103,783,963 gives the same sequence; the c. name uses the placement nearest the transcript's 3' end. VCF-style (leftmost placement, unchanged base first): chrX-103783933-G-GTATATATACATATATTTA. GRCh37 (hg19) VCF-style: chrX-103038862-G-GTATATATACATATATTTA.
Other names: c.5-1636_5-1619dup (NM_001128834.3, NM_199478.3); c.5-1801_5-1784dup (NM_001305004.1).
Identifiers: ClinVar variation 691855 (VCV000691855.2), dbSNP rs202027037, ClinGen allele CA334000984.

ClinVar aggregate classification (germline): Benign (0 of 4 stars; one submission).

Submission:

Lupski Lab, Baylor-Hopkins CMG, Baylor College of Medicine
Classification: Benign. Review status: no assertion criteria provided. Collection method: research. Allele origin: unknown. Affected: yes. Observed: 1 variant allele.